The following is an entry in ClinVar:

NM_032108.4(SEMA6B):c.63G>A (p.Gly21=)

Gene: SEMA6B (semaphorin 6B; minus strand). Cytogenetic location: 19p13.3.
Variant type: single nucleotide variant.
Coding change: c.63G>A on transcript NM_032108.4 (MANE Select); coding-DNA position 63, G replaced by A.
Protein change: p.Gly21=; no amino-acid change (glycine 21 retained).
Molecular consequence: synonymous variant.
Genome position (GRCh38, 1-based): chr19:4,558,395, C>T on the plus strand (G>A on the coding strand, the complement: SEMA6B is on the minus strand). VCF-style: chr19-4558395-C-T. GRCh37 (hg19) VCF-style: chr19-4558407-C-T.
Identifiers: ClinVar variation 781380 (VCV000781380.7), dbSNP rs80339936, ClinGen allele CA9103042.

ClinVar aggregate classification (germline): Benign/Likely benign. Review status: criteria provided, multiple submitters, no conflicts (2 of 4 stars). 4 submissions from 4 submitters: Benign (2); Likely benign (1). 1 of the submissions does not count toward it. Last evaluated 2024-10-08.

Conditions:
SEMA6B-related disorder. Also called: SEMA6B-related condition.

Allele frequency attached by ClinVar (database versions not stated): gnomAD exomes 0.00122; ExAC 0.00341; ESP Exome Variant Server 0.00393; gnomAD 0.00482 and 0.00517; TOPMed 0.00599; 1000 Genomes Project 30x 0.00609; 1000 Genomes Project 0.00619.

Submissions (4):

Blueprint Genetics
Classification: Likely benign. Last evaluated: 2024-10-08. Review status: criteria provided, single submitter. Criteria: ACMG Guidelines, 2015. Collection method: clinical testing. Allele origin: germline.

Labcorp Genetics (formerly Invitae), Labcorp
Classification: Benign. Last evaluated: 2018-05-08. Review status: criteria provided, single submitter. Criteria: Invitae Variant Classification Sherloc (09022015). Collection method: clinical testing. Allele origin: germline.

Breakthrough Genomics
Classification: Benign. Review status: criteria provided, single submitter. Criteria: ACMG Guidelines, 2015. Collection method: not provided. Allele origin: germline. Inheritance: Autosomal dominant inheritance. Affected: yes.

PreventionGenetics, part of Exact Sciences
Classification: Benign for SEMA6B-related condition. Last evaluated: 2019-03-20. Review status: no assertion criteria provided. Collection method: clinical testing. Allele origin: germline. Not counted in ClinVar's aggregate classification.
Comment: This variant is classified as benign based on ACMG/AMP sequence variant interpretation guidelines (Richards et al. 2015 PMID: 25741868, with internal and published modifications).